The following is an entry in ClinVar:

ClinVar aggregate classification (germline): Pathogenic. Review status: criteria provided, multiple submitters, no conflicts (2 of 4 stars). 3 submissions from 3 submitters: Pathogenic (3). Last evaluated 2023-08-15.

Conditions:
Hereditary cancer-predisposing syndrome. Also called: Neoplastic Syndromes, Hereditary; Tumor predisposition; Hereditary Cancer Syndrome; Hereditary neoplastic syndrome. Identifiers: Orphanet 140162, MedGen C0027672, MeSH D009386, MONDO:0015356.
Lynch syndrome 5 (LYNCH5). Also called: Colorectal cancer, hereditary nonpolyposis, type 5; Hereditary non-polyposis colorectal cancer, type 5. Identifiers: Orphanet 144, MedGen C1833477, MONDO:0013710, OMIM 614350. Disease mechanism: loss of function.
Hereditary nonpolyposis colorectal neoplasms. Identifiers: MedGen C0009405, MeSH D003123.

Submissions (3):

Myriad Genetics, Inc.
Classification: Pathogenic for Lynch syndrome 5. Last evaluated: 2023-08-15. Review status: criteria provided, single submitter. Criteria: Myriad Autosomal Dominant, Autosomal Recessive and X-Linked Classification Criteria (2023). Collection method: clinical testing. Allele origin: unknown.
Comment: This variant is considered pathogenic. This variant creates a termination codon and is predicted to result in premature protein truncation.

Ambry Genetics
Classification: Pathogenic for Hereditary cancer-predisposing syndrome. Last evaluated: 2021-05-14. Review status: criteria provided, single submitter. Criteria: Ambry Variant Classification Scheme 2023. Collection method: clinical testing. Allele origin: germline.
Comment: The c.1608dupT pathogenic mutation, located in coding exon 4 of the MSH6 gene, results from a duplication of T at nucleotide position 1608, causing a translational frameshift with a predicted alternate stop codon (p.K537*). This alteration is expected to result in loss of function by premature protein truncation or nonsense-mediated mRNA decay. As such, this alteration is interpreted as a disease-causing mutation.

Labcorp Genetics (formerly Invitae), Labcorp
Classification: Pathogenic for Hereditary nonpolyposis colorectal neoplasms. Last evaluated: 2020-06-21. Review status: criteria provided, single submitter. Criteria: Invitae Variant Classification Sherloc (09022015). Collection method: clinical testing. Allele origin: germline.
Comment: For these reasons, this variant has been classified as Pathogenic. Loss-of-function variants in MSH6 are known to be pathogenic (PMID: 18269114, 24362816). This variant has been reported in individuals in the Universal Mutation Database (PMID: 10612827). This sequence change creates a premature translational stop signal (p.Lys537*) in the MSH6 gene. It is expected to result in an absent or disrupted protein product. This variant is not present in population databases (ExAC no frequency).

Literature cited by the submitters: PubMed 18269114 (cited by Labcorp Genetics (formerly Invitae), Labcorp); PubMed 24362816 (cited by Labcorp Genetics (formerly Invitae), Labcorp); PubMed 10612827 (cited by Labcorp Genetics (formerly Invitae), Labcorp).

NM_000179.3(MSH6):c.1608dup (p.Lys537Ter)

Gene: MSH6 (mutS homolog 6; plus strand). Cytogenetic location: 2p16.3.
Variant type: Duplication.
Coding change: c.1608dup on transcript NM_000179.3 (MANE Select); coding-DNA position 1608, one base duplicated (T; older notation c.1608dupT).
Protein change: p.Lys537Ter; replaces lysine 537 with a stop codon.
Molecular consequence: nonsense.
Genome position (GRCh38, 1-based): chr2:47,799,591, T duplicated. VCF-style (leftmost placement, unchanged base first): chr2-47799590-G-GT. GRCh37 (hg19) VCF-style: chr2-48026729-G-GT.
Other names: c.1608dupT (NM_000179.2); c.1218dup, p.Lys407Ter (NM_001281492.2); c.702dup, p.Lys235Ter (NM_001281493.2, NM_001281494.2); short protein forms K407*, K235*, K537*.
Identifiers: ClinVar variation 648190 (VCV000648190.12), dbSNP rs1572723640, ClinGen allele CA915943917.